The following is an entry in ClinVar:

NM_001458.5(FLNC):c.5845_5848dup (p.Asp1950delinsGlyTer)

Genes: FLNC-AS1 (FLNC antisense RNA 1; minus strand), FLNC (filamin C; plus strand). Cytogenetic location: 7q32.1.
Variant type: Duplication.
Coding change: c.5845_5848dup on transcript NM_001458.5 (MANE Select); coding-DNA positions 5845 to 5848, 4 bases duplicated (GATG; older notation c.5845_5848dupGATG).
Protein change: p.Asp1950delinsGlyTer.
Molecular consequence: nonsense.
Genome position (GRCh38, 1-based): chr7:128,852,593-128,852,596, GATG duplicated. VCF-style (leftmost placement, unchanged base first): chr7-128852592-T-TGATG. GRCh37 (hg19) VCF-style: chr7-128492646-T-TGATG.
Other names: c.5746_5749dup, p.Asp1917delinsGlyTer (NM_001127487.2).
Identifiers: ClinVar variation 2949084 (VCV002949084.3), dbSNP rs2536658893, ClinGen allele CA2740094864.

ClinVar aggregate classification (germline): Pathogenic (1 of 4 stars; one submission).

Conditions:
Hypertrophic cardiomyopathy 26. Also called: Cardiomyopathy, familial hypertrophic, 26. Identifiers: Orphanet 75249, MedGen C4310749, MONDO:0014883, OMIM 617047.
Myofibrillar myopathy 5. Also called: Filaminopathy (type); FILAMINOPATHY, AUTOSOMAL DOMINANT. Identifiers: Orphanet 171445, MedGen C1836050, MONDO:0012289, OMIM 609524.
Distal myopathy with posterior leg and anterior hand involvement. Also called: WILLIAMS DISTAL MYOPATHY. Identifiers: Orphanet 63273, MedGen C3279722, MONDO:0013550, OMIM 614065.

Submission:

Labcorp Genetics (formerly Invitae), Labcorp
Classification: Pathogenic for Distal myopathy with posterior leg and anterior hand involvement; Myofibrillar myopathy 5; Hypertrophic cardiomyopathy 26. Last evaluated: 2023-06-21. Review status: criteria provided, single submitter. Criteria: Invitae Variant Classification Sherloc (09022015). Collection method: clinical testing. Allele origin: germline.
Comment: This sequence change creates a premature translational stop signal (p.Asp1950Glyfs*2) in the FLNC gene. It is expected to result in an absent or disrupted protein product. Loss-of-function variants in FLNC are known to be pathogenic (PMID: 27908349). This variant is not present in population databases (gnomAD no frequency). This variant has not been reported in the literature in individuals affected with FLNC-related conditions. For these reasons, this variant has been classified as Pathogenic.

Literature cited by the submitters: PubMed 27908349.